The following is an entry in ClinVar:

ClinVar aggregate classification (germline): Uncertain significance. Review status: criteria provided, multiple submitters, no conflicts (2 of 4 stars). 2 submissions from 2 submitters: Uncertain significance (2). Last evaluated 2026-06-15.

Conditions:
Inborn genetic diseases. Identifiers: MedGen C0950123, MeSH D030342.

Submissions (2):

Ambry Genetics
Classification: Uncertain significance for Inborn genetic diseases. Last evaluated: 2026-06-15. Review status: criteria provided, single submitter. Criteria: Ambry Variant Classification Scheme 2023. Collection method: clinical testing. Allele origin: germline.
Comment: The c.98_99insCGCGCC () alteration is located in exon 1 (coding exon 1) of the DEAF1 gene. The alteration consists of an in-frame insertion of 6 nucleotides between nucleotide positions c.98 and c.99, resulting in the insertion of 1 residue. This variant was not reported in population-based cohorts in the Genome Aggregation Database (gnomAD). Based on insufficient or conflicting evidence, the clinical significance of this alteration remains unclear.

Labcorp Genetics (formerly Invitae), Labcorp
Classification: Uncertain significance. Last evaluated: 2023-10-16. Review status: criteria provided, single submitter. Criteria: Invitae Variant Classification Sherloc (09022015). Collection method: clinical testing. Allele origin: germline.
Comment: This variant, c.98_99insCGCGCC, results in the insertion of 2 amino acid(s) of the DEAF1 protein (p.Ala33_Gly34insAlaPro), but otherwise preserves the integrity of the reading frame. This variant is not present in population databases (gnomAD no frequency). This variant has not been reported in the literature in individuals affected with DEAF1-related conditions. In summary, the available evidence is currently insufficient to determine the role of this variant in disease. Therefore, it has been classified as a Variant of Uncertain Significance.

NM_021008.4(DEAF1):c.98_99insCGCGCC (p.Ala33_Gly34insAlaPro)

Gene: DEAF1 (DEAF1 transcription factor; minus strand). Cytogenetic location: 11p15.5.
Variant type: Insertion.
Coding change: c.98_99insCGCGCC on transcript NM_021008.4 (MANE Select); coding-DNA positions 98 to 99, CGCGCC inserted.
Protein change: p.Ala33_Gly34insAlaPro.
Molecular consequence: inframe insertion. On other transcripts: intron variant (1), inframe indel (1).
Genome position: GRCh38 VCF-style: chr11-694949-T-TGGCGCG. GRCh37 (hg19) VCF-style: chr11-694949-T-TGGCGCG.
Other names: c.98_99insCGCGCC (NM_021008.2); c.-437-3352_-437-3351insCCGCGC (NM_001367390.1); c.97_98insCCGCGC, p.Ala33_Gly34insAlaPro (NM_001293634.2).
Identifiers: ClinVar variation 2983460 (VCV002983460.4), dbSNP rs1554946388, ClinGen allele CA5786662.
Genomic context (GRCh38, chr11:694,949, plus strand): 5'-GTCTGCGTCCTCCTCCGAGTCCTCGTCCCTGCTCAGCACCGGCTCCTCCGCCTCGCCTCC[T>TGGCGCG]GCCGCGGCCGCGGCCGCCGCCGCCACAGCGGCCGCGGCCGCCACCGCCGCCGCCTCAGCC-3'